The following is an entry in ClinVar:

ClinVar aggregate classification (germline): Conflicting classifications of pathogenicity. Review status: criteria provided, conflicting classifications (1 of 4 stars). 5 submissions from 5 submitters: Uncertain significance (4); Likely benign (1). Last evaluated 2025-07-07.

Conditions:
Inborn genetic diseases. Identifiers: MedGen C0950123, MeSH D030342.
Spermatogenic failure 72 (SPGF72). Identifiers: MedGen C5676980, MONDO:0030809, OMIM 619867.
Senior-Loken syndrome 8 (SLSN8). Identifiers: Orphanet 3156, MedGen C4225376, MONDO:0014579, OMIM 616307.
Asphyxiating thoracic dystrophy 5 (SRTD5). Also called: SHORT-RIB THORACIC DYSPLASIA 5 WITH OR WITHOUT POLYDACTYLY; SHORT-RIB THORACIC DYSPLASIA 5 WITHOUT POLYDACTYLY. Identifiers: Orphanet 474, MedGen C3280598, MONDO:0013717, OMIM 614376.
Nephronophthisis 13 (NPHP13). Identifiers: Orphanet 655, MedGen C3280612, MONDO:0013718, OMIM 614377.
Cranioectodermal dysplasia 4 (CED4). Identifiers: Orphanet 1515, MedGen C3280616, MONDO:0013719, OMIM 614378.

Allele frequency attached by ClinVar (database versions not stated): gnomAD exomes 0.00003 and 0.00007; ExAC 0.00012; gnomAD 0.00019 and 0.00020; TOPMed 0.00023; 1000 Genomes Project 30x 0.00031; 1000 Genomes Project 0.00040.
gnomAD v4.1: 76 of 1,605,048 alleles (0.0047%); highest among the groups gnomAD compares: African/African-American, 0.078%; no homozygotes.

Submissions (5):

Labcorp Genetics (formerly Invitae), Labcorp
Classification: Likely benign for Senior-Loken syndrome 8; Asphyxiating thoracic dystrophy 5. Last evaluated: 2025-07-07. Review status: criteria provided, single submitter. Criteria: Invitae Variant Classification Sherloc (09022015). Collection method: clinical testing. Allele origin: germline.

Ambry Genetics
Classification: Uncertain significance for Inborn genetic diseases. Last evaluated: 2024-10-21. Review status: criteria provided, single submitter. Criteria: Ambry Variant Classification Scheme 2023. Collection method: clinical testing. Allele origin: germline.

Fulgent Genetics
Classification: Uncertain significance for Asphyxiating thoracic dystrophy 5; Nephronophthisis 13; Cranioectodermal dysplasia 4; Senior-Loken syndrome 8; Spermatogenic failure 72. Last evaluated: 2024-02-29. Review status: criteria provided, single submitter. Criteria: ACMG Guidelines, 2015. Collection method: clinical testing. Allele origin: germline.

Blueprint Genetics
Classification: Uncertain significance. Last evaluated: 2021-03-08. Review status: criteria provided, single submitter. Criteria: ACMG Guidelines, 2015. Collection method: clinical testing. Allele origin: germline.

ARUP Laboratories, Molecular Genetics and Genomics, ARUP Laboratories
Classification: Uncertain significance. Last evaluated: 2020-07-02. Review status: criteria provided, single submitter. Criteria: ARUP Molecular Germline Variant Investigation Process. Collection method: clinical testing. Allele origin: germline.
Comment: The WDR19 c.3308G>A; p.Arg1103Gln variant (rs567310076), to our knowledge, is not reported in the medical literature but is reported in ClinVar (Variation ID: 440411). This variant is found in the African population with an allele frequency of 0.070% (16/22970 alleles) in the Genome Aggregation Database. The arginine at codon 1103 is moderately conserved, and computational analyses (SIFT, PolyPhen-2) predict that this variant is tolerated. Due to limited information, the clinical significance of the p.Arg1103Gln variant is uncertain at this time.

NM_025132.4(WDR19):c.3308G>A (p.Arg1103Gln)

Gene: WDR19 (WD repeat domain 19; plus strand). Cytogenetic location: 4p14.
Variant type: single nucleotide variant.
Coding change: c.3308G>A on transcript NM_025132.4 (MANE Select); coding-DNA position 3308, G replaced by A.
Protein change: p.Arg1103Gln; replaces arginine 1103 with glutamine.
Molecular consequence: missense variant.
Genome position (GRCh38, 1-based): chr4:39,268,041, G>A. VCF-style: chr4-39268041-G-A. GRCh37 (hg19) VCF-style: chr4-39269661-G-A.
Other names: c.2828G>A, p.Arg943Gln (NM_001317924.2); short protein forms R1103Q, R943Q.
Identifiers: ClinVar variation 440411 (VCV000440411.20), dbSNP rs567310076, ClinGen allele CA2892335.